The following is an entry in ClinVar:

NM_001376.5(DYNC1H1):c.5486A>G (p.Lys1829Arg)

Gene: DYNC1H1 (dynein cytoplasmic 1 heavy chain 1; plus strand). Cytogenetic location: 14q32.31.
Variant type: single nucleotide variant.
Coding change: c.5486A>G on transcript NM_001376.5 (MANE Select); coding-DNA position 5486, A replaced by G.
Protein change: p.Lys1829Arg; replaces lysine 1829 with arginine.
Molecular consequence: missense variant.
Genome position (GRCh38, 1-based): chr14:102,005,940, A>G. VCF-style: chr14-102005940-A-G. GRCh37 (hg19) VCF-style: chr14-102472277-A-G.
Other names: short protein forms K1829R.
Identifiers: ClinVar variation 1484459 (VCV001484459.8), dbSNP rs2141289585, ClinGen allele CA391047991.

ClinVar aggregate classification (germline): Uncertain significance (1 of 4 stars; one submission).

Conditions:
Charcot-Marie-Tooth disease axonal type 2O. Also called: CHARCOT-MARIE-TOOTH NEUROPATHY, AXONAL, TYPE 2O; CHARCOT-MARIE-TOOTH DISEASE, AXONAL, AUTOSOMAL DOMINANT, TYPE 2O; Charcot-Marie-Tooth Neuropathy Type 2O; Charcot-Marie-Tooth disease, axonal, type 20. Identifiers: Orphanet 284232, MedGen C3280220, MONDO:0013644, OMIM 614228.

Submission:

Labcorp Genetics (formerly Invitae), Labcorp
Classification: Uncertain significance for Charcot-Marie-Tooth disease axonal type 2O. Last evaluated: 2023-12-06. Review status: criteria provided, single submitter. Criteria: Invitae Variant Classification Sherloc (09022015). Collection method: clinical testing. Allele origin: germline.
Comment: This sequence change replaces lysine, which is basic and polar, with arginine, which is basic and polar, at codon 1829 of the DYNC1H1 protein (p.Lys1829Arg). This variant is not present in population databases (gnomAD no frequency). This variant has not been reported in the literature in individuals affected with DYNC1H1-related conditions. ClinVar contains an entry for this variant (Variation ID: 1484459). Advanced modeling of protein sequence and biophysical properties (such as structural, functional, and spatial information, amino acid conservation, physicochemical variation, residue mobility, and thermodynamic stability) performed at Invitae indicates that this missense variant is not expected to disrupt DYNC1H1 protein function with a negative predictive value of 95%. In summary, the available evidence is currently insufficient to determine the role of this variant in disease. Therefore, it has been classified as a Variant of Uncertain Significance.